The following is an entry in ClinVar:

ClinVar aggregate classification (germline): Uncertain significance (1 of 4 stars; one submission).

Submission:

Labcorp Genetics (formerly Invitae), Labcorp
Classification: Uncertain significance. Last evaluated: 2022-06-29. Review status: criteria provided, single submitter. Criteria: Invitae Variant Classification Sherloc (09022015). Collection method: clinical testing. Allele origin: germline.
Comment: In summary, the available evidence is currently insufficient to determine the role of this variant in disease. Therefore, it has been classified as a Variant of Uncertain Significance. Algorithms developed to predict the effect of missense changes on protein structure and function are either unavailable or do not agree on the potential impact of this missense change (SIFT: "Tolerated"; PolyPhen-2: "Possibly Damaging"; Align-GVGD: "Class C0"). This variant has not been reported in the literature in individuals affected with CDT1-related conditions. This variant is not present in population databases (gnomAD no frequency). This sequence change replaces arginine, which is basic and polar, with histidine, which is basic and polar, at codon 230 of the CDT1 protein (p.Arg230His).

NM_030928.4(CDT1):c.689G>A (p.Arg230His)

Gene: CDT1 (chromatin licensing and DNA replication factor 1; plus strand). Cytogenetic location: 16q24.3.
Variant type: single nucleotide variant.
Coding change: c.689G>A on transcript NM_030928.4 (MANE Select); coding-DNA position 689, G replaced by A.
Protein change: p.Arg230His; replaces arginine 230 with histidine.
Molecular consequence: missense variant.
Genome position (GRCh38, 1-based): chr16:88,805,726, G>A. VCF-style: chr16-88805726-G-A. GRCh37 (hg19) VCF-style: chr16-88872134-G-A.
Other names: short protein forms R230H.
Identifiers: ClinVar variation 2179127 (VCV002179127.4), dbSNP rs1597505116, ClinGen allele CA397076433.